The following is an entry in ClinVar:

ClinVar aggregate classification (germline): Likely benign (1 of 4 stars; one submission).

Submission:

GeneDx
Classification: Likely benign. Last evaluated: 2022-10-27. Review status: criteria provided, single submitter. Criteria: GeneDx Variant Classification Process June 2021. Collection method: clinical testing. Allele origin: germline. Affected: yes.
Comment: See Variant Classification Assertion Criteria.

NM_001128228.3(TPRN):c.1845AGAGGA[1] (p.Glu620_Glu621del)

Gene: TPRN (taperin; minus strand). Cytogenetic location: 9q34.3.
Variant type: Microsatellite.
Coding change: c.1845AGAGGA[1] on transcript NM_001128228.3 (MANE Select); one copy of the 6-base unit AGAGGA starting at c.1845; the reference has two copies in a row; one copy, 6 bases deleted.
Protein change: p.Glu620_Glu621del.
Molecular consequence: inframe deletion.
Genome position (GRCh38, 1-based): chr9:137,192,561-137,192,566, TCCTCT deleted on the plus strand (AGAGGA on the coding strand, the reverse complement: TPRN is on the minus strand); deleting any 6 consecutive bases within chr9:137,192,561-137,192,577 gives the same sequence; the position shown is the placement nearest the transcript's 3' end. VCF-style (leftmost placement, unchanged base first): chr9-137192560-CTCCTCT-C. GRCh37 (hg19) VCF-style: chr9-140087012-CTCCTCT-C.
Identifiers: ClinVar variation 1315143 (VCV001315143.3), dbSNP rs750560040, ClinGen allele CA5362620.